The following is an entry in ClinVar:

ClinVar aggregate classification (germline): Likely benign (1 of 4 stars; one submission).

gnomAD v4.1: 1 of 1,614,178 alleles (0.000062%); highest among the groups gnomAD compares: Non-Finnish European, 0.000085%; no homozygotes.

Submission:

CeGaT Center for Human Genetics Tuebingen
Classification: Likely benign. Last evaluated: 2025-05-01. Review status: criteria provided, single submitter. Criteria: CeGaT Center For Human Genetics Tuebingen Variant Classification Criteria Version 2. Collection method: clinical testing. Allele origin: germline. Affected: yes. Observed: 1 variant allele.
Comment: MADD: BP4, BP7

NM_001376571.1(MADD):c.999C>T (p.Ser333=)

Gene: MADD (MAP kinase activating death domain; plus strand). Cytogenetic location: 11p11.2.
Variant type: single nucleotide variant.
Coding change: c.999C>T on transcript NM_001376571.1 (MANE Select); coding-DNA position 999, C replaced by T.
Protein change: p.Ser333=; no amino-acid change (serine 333 retained).
Molecular consequence: synonymous variant. On other transcripts: non-coding transcript variant (8).
Genome position (GRCh38, 1-based): chr11:47,276,767, C>T. VCF-style: chr11-47276767-C-T. GRCh37 (hg19) VCF-style: chr11-47298318-C-T.
Other names: c.795C>T, p.Ser265= (NM_001376626.1, NM_001376627.1, NM_001376635.1 and 9 more transcripts); c.999C>T, p.Ser333= (NM_001376628.1, NM_001376629.1, NM_001376630.1 and 80 more transcripts); c.333C>T, p.Ser111= (NM_001376663.1).
Identifiers: ClinVar variation 3905767 (VCV003905767.10).